The following is an entry in ClinVar:

NM_012463.4(ATP6V0A2):c.1609T>C (p.Trp537Arg)

Gene: ATP6V0A2 (ATPase H+ transporting V0 subunit a2; plus strand). Cytogenetic location: 12q24.31.
Variant type: single nucleotide variant.
Coding change: c.1609T>C on transcript NM_012463.4 (MANE Select); coding-DNA position 1609, T replaced by C.
Protein change: p.Trp537Arg; replaces tryptophan 537 with arginine.
Molecular consequence: missense variant.
Genome position (GRCh38, 1-based): chr12:123,747,610, T>C. VCF-style: chr12-123747610-T-C. GRCh37 (hg19) VCF-style: chr12-124232157-T-C.
Other names: short protein forms W537R.
Identifiers: ClinVar variation 3256749 (VCV003256749.1).

ClinVar aggregate classification (germline): Likely pathogenic (0 of 4 stars; one submission).

Conditions:
Cutis laxa with osteodystrophy (ARCL2A). Also called: CUTIS LAXA WITH CONGENITAL DISORDER OF GLYCOSYLATION; Debré-Type Cutis Laxa; CUTIS LAXA, AUTOSOMAL RECESSIVE, TYPE IIA; CUTIS LAXA WITH BONE DYSTROPHY; CUTIS LAXA WITH GROWTH AND DEVELOPMENTAL DELAY; CUTIS LAXA WITH JOINT LAXITY AND RETARDED DEVELOPMENT. Identifiers: Orphanet 357058, MedGen C0268355, MONDO:0018163, OMIM 219200. Disease mechanism: loss of function.

Submission:

Solve-RD Consortium
Classification: Likely pathogenic for Cutis laxa with osteodystrophy. Last evaluated: 2022-06-01. Review status: no assertion criteria provided. Collection method: provider interpretation. Allele origin: inherited. Affected: yes.
Comment: Variant confirmed as disease-causing by referring clinical team

Variant identified during reanalysis of unsolved cases by the Solve-RD project. The Solve-RD project has received funding from the European Union’s Horizon 2020 research and innovation programme under grant agreement No 779257.

Literature cited by the submitters: PubMed 39825153.